The following is an entry in ClinVar:

ClinVar aggregate classification (germline): Likely benign (1 of 4 stars; one submission).

Conditions:
HPS6-related disorder. Also called: HPS6-related condition.

gnomAD v4.1: 1 of 1,614,176 alleles (0.000062%); highest among the groups gnomAD compares: Admixed American, 0.0017%; no homozygotes.

Submission:

PreventionGenetics, part of Exact Sciences
Classification: Likely benign for HPS6-related condition. Last evaluated: 2026-05-11. Review status: criteria provided, single submitter. Criteria: ACMG Guidelines, 2015. Collection method: clinical testing. Allele origin: germline.
Comment: This variant is classified as likely benign based on ACMG/AMP sequence variant interpretation guidelines (Richards et al. 2015 PMID: 25741868, with internal and published modifications).

NM_024747.6(HPS6):c.1054A>C (p.Arg352=)

Gene: HPS6 (HPS6 biogenesis of lysosomal organelles complex 2 subunit 3; plus strand). Cytogenetic location: 10q24.32.
Variant type: single nucleotide variant.
Coding change: c.1054A>C on transcript NM_024747.6 (MANE Select); coding-DNA position 1054, A replaced by C.
Protein change: p.Arg352=; no amino-acid change (arginine 352 retained).
Molecular consequence: synonymous variant.
Genome position (GRCh38, 1-based): chr10:102,066,528, A>C. VCF-style: chr10-102066528-A-C. GRCh37 (hg19) VCF-style: chr10-103826285-A-C.
Identifiers: ClinVar variation 4998775 (VCV004998775.1).